The following is an entry in ClinVar:

NM_001127208.3(TET2):c.1652A>G (p.Asp551Gly)

Genes: TET2 (tet methylcytosine dioxygenase 2; plus strand), TET2-AS1 (TET2 antisense RNA 1; minus strand). Cytogenetic location: 4q24.
Variant type: single nucleotide variant.
Coding change: c.1652A>G on transcript NM_001127208.3 (MANE Select); coding-DNA position 1652, A replaced by G.
Protein change: p.Asp551Gly; replaces aspartic acid 551 with glycine.
Molecular consequence: missense variant.
Genome position (GRCh38, 1-based): chr4:105,235,594, A>G. VCF-style: chr4-105235594-A-G. GRCh37 (hg19) VCF-style: chr4-106156751-A-G.
Other names: c.1652A>G, p.Asp551Gly (NM_017628.4); short protein forms D551G.
Identifiers: ClinVar variation 3455297 (VCV003455297.1).
Genomic context (GRCh38, chr4:105,235,594, plus strand): 5'-AGTTGATGAGAAACAAAGAGCAAGAGATTCTGAAGGGTCGAGACAAGGAGCAAACACGAG[A>G]TCTTGTGCCCCCAACACAGCACTATCTGAAACCAGGATGGATTGAATTGAAGGCCCCTCG-3'
Protein context (NP_001120680.1, residues 541-561): LKGRDKEQTR[Asp551Gly]LVPPTQHYLK

ClinVar aggregate classification (germline): Uncertain significance (1 of 4 stars; one submission).

gnomAD v4.1: 4 of 1,614,056 alleles (0.00025%); highest among the groups gnomAD compares: Non-Finnish European, 0.00034%; no homozygotes.

Submission:

Ambry Genetics
Classification: Uncertain significance. Last evaluated: 2024-11-18. Review status: criteria provided, single submitter. Criteria: Ambry Variant Classification Scheme 2023. Collection method: clinical testing. Allele origin: germline.
Comment: The p.D551G variant (also known as c.1652A>G), located in coding exon 1 of the TET2 gene, results from an A to G substitution at nucleotide position 1652. The aspartic acid at codon 551 is replaced by glycine, an amino acid with similar properties. This amino acid position is conserved. In addition, this alteration is predicted to be tolerated by in silico analysis. Based on the available evidence, the clinical significance of this variant remains unclear.